The following is an entry in ClinVar:

ClinVar aggregate classification (germline): Uncertain significance (1 of 4 stars; one submission).

Conditions:
Neuropathy, hereditary sensory, type 1F. Also called: HSN IF; Hereditary sensory neuropathy type IF. Identifiers: Orphanet 36386, MedGen C3810194, MONDO:0014286, OMIM 615632.

Submission:

Labcorp Genetics (formerly Invitae), Labcorp
Classification: Uncertain significance for Neuropathy, hereditary sensory, type 1F. Last evaluated: 2024-05-06. Review status: criteria provided, single submitter. Criteria: Invitae Variant Classification Sherloc (09022015). Collection method: clinical testing. Allele origin: germline.
Comment: This sequence change replaces cysteine, which is neutral and slightly polar, with tryptophan, which is neutral and slightly polar, at codon 429 of the ATL3 protein (p.Cys429Trp). This variant is not present in population databases (gnomAD no frequency). This variant has not been reported in the literature in individuals affected with ATL3-related conditions. Advanced modeling of protein sequence and biophysical properties (such as structural, functional, and spatial information, amino acid conservation, physicochemical variation, residue mobility, and thermodynamic stability) performed at Invitae indicates that this missense variant is not expected to disrupt ATL3 protein function with a negative predictive value of 80%. In summary, the available evidence is currently insufficient to determine the role of this variant in disease. Therefore, it has been classified as a Variant of Uncertain Significance.

NM_015459.5(ATL3):c.1287C>G (p.Cys429Trp)

Genes: ATL3 (atlastin GTPase 3; minus strand), LNCROPM (lncRNA regulator of PLAAT3 mediated phospholipid metabolism; plus strand), LOC126861231 (CDK7 strongly-dependent group 2 enhancer GRCh37_chr11:63398741-63399940; plus strand). Cytogenetic location: 11q13.1.
Variant type: single nucleotide variant.
Coding change: c.1287C>G on transcript NM_015459.5 (MANE Select); coding-DNA position 1287, C replaced by G.
Protein change: p.Cys429Trp; replaces cysteine 429 with tryptophan.
Molecular consequence: missense variant.
Genome position (GRCh38, 1-based): chr11:63,631,292, G>C on the plus strand (C>G on the coding strand, the complement: ATL3 is on the minus strand). VCF-style: chr11-63631292-G-C. GRCh37 (hg19) VCF-style: chr11-63398764-G-C.
Other names: c.1233C>G, p.Cys411Trp (NM_001290048.2); short protein forms C411W, C429W.
Identifiers: ClinVar variation 3649506 (VCV003649506.2).